The following is an entry in ClinVar:

ClinVar aggregate classification (germline): Pathogenic. Review status: reviewed by expert panel (3 of 4 stars). 6 submissions from 6 submitters: Pathogenic (1). 5 of the submissions do not count toward it. Last evaluated 2013-09-05.

Conditions:
Lynch syndrome. Identifiers: Orphanet 144, MedGen C4552100, MONDO:0005835. Disease mechanism: loss of function.
Hereditary nonpolyposis colorectal neoplasms. Identifiers: MedGen C0009405, MeSH D003123.
Hereditary cancer-predisposing syndrome. Also called: Tumor predisposition; Hereditary Cancer Syndrome; Hereditary neoplastic syndrome; Neoplastic Syndromes, Hereditary. Identifiers: Orphanet 140162, MedGen C0027672, MeSH D009386, MONDO:0015356.

Submissions (6):

International Society for Gastrointestinal Hereditary Tumours (InSiGHT)
Classification: Pathogenic for Lynch Syndrome. Last evaluated: 2013-09-05. Review status: reviewed by expert panel. Criteria: Guidelines v1.9. Collection method: research. Allele origin: germline.
Comment: Coding sequence variation resulting in a stop codon

Classified with v1.9 guidelines

Color Diagnostics, LLC DBA Color Health
Classification: Pathogenic for Hereditary cancer-predisposing syndrome. Last evaluated: 2024-01-08. Review status: criteria provided, single submitter. Criteria: ACMG Guidelines, 2015. Collection method: clinical testing. Allele origin: germline. Not counted in ClinVar's aggregate classification.
Comment: This variant deletes 1 nucleotide in exon 7/15 of the PMS2 gene, creating a frameshift and premature translation stop signal. This variant is expected to result in an absent or non-functional protein product. This variant has been reported in an individual affected with early-onset colorectal cancer and loss of PMS2 expression via immunohistochemistry analysis (PMID: 23709753). This variant has not been identified in the general population by the Genome Aggregation Database (gnomAD). Loss of PMS2 function is a known mechanism of disease. Based on the available evidence, this variant is classified as Pathogenic.

All of Us Research Program, National Institutes of Health
Classification: Pathogenic for Lynch syndrome. Last evaluated: 2023-11-08. Review status: criteria provided, single submitter. Criteria: ACMG Guidelines, 2015. Collection method: clinical testing. Allele origin: germline. Inheritance: Autosomal dominant inheritance. Observed: 1 variant allele, 1 heterozygote. Not counted in ClinVar's aggregate classification.
Comment: The c.780del (p.Asp261Metfs*46) variant in the PMS2 gene is located on the exon 7 and is predicted to cause shift of reading frame that introduces a premature translation termination codon (p.Asp261Metfs*46), resulting in an absent or disrupted protein product. The variant has been reported in an individual with colorectal cancer and immunohistochemical analysis showed loss of PMS2 expression (PMID: 23709753). Loss-of-function variants in PMS2 are known to be pathogenic (PMID: 28514183, 25512458, 35223509). The variant is reported in ClinVar as pathogenic (ID: 91367) and reviewed by the expert panel. The variant is absent in the general population database (gnomAD). Therefore, the c.780del (p.Asp261Metfs*46) variant of PMS2 has been classified as pathogenic.

This study involves interpretation of variants in research participants for the purpose of population health screening. Participant phenotype was not available at the time of variant classification. Additional details can be found in publication PMID: 35346344, PMCID: PMC8962531

Labcorp Genetics (formerly Invitae), Labcorp
Classification: Pathogenic for Hereditary nonpolyposis colorectal neoplasms. Last evaluated: 2023-10-16. Review status: criteria provided, single submitter. Criteria: Invitae Variant Classification Sherloc (09022015). Collection method: clinical testing. Allele origin: germline. Not counted in ClinVar's aggregate classification.
Comment: This sequence change creates a premature translational stop signal (p.Asp261Metfs*46) in the PMS2 gene. It is expected to result in an absent or disrupted protein product. Loss-of-function variants in PMS2 are known to be pathogenic (PMID: 21376568, 24362816). This variant is not present in population databases (gnomAD no frequency). This premature translational stop signal has been observed in individual(s) with clinical features of Lynch syndrome (PMID: 23709753). ClinVar contains an entry for this variant (Variation ID: 91367). For these reasons, this variant has been classified as Pathogenic.

Ambry Genetics
Classification: Pathogenic for Hereditary cancer-predisposing syndrome. Last evaluated: 2021-09-07. Review status: criteria provided, single submitter. Criteria: Ambry Variant Classification Scheme 2023. Collection method: clinical testing. Allele origin: germline. Not counted in ClinVar's aggregate classification.
Comment: The c.780delC pathogenic mutation, located in coding exon 7 of the PMS2 gene, results from a deletion of one nucleotide at nucleotide position 780, causing a translational frameshift with a predicted alternate stop codon (p.D261Mfs*46). This alteration is expected to result in loss of function by premature protein truncation or nonsense-mediated mRNA decay. As such, this alteration is interpreted as a disease-causing mutation.

Laboratory for Molecular Medicine, Mass General Brigham Personalized Medicine
Classification: Pathogenic for Lynch syndrome. Last evaluated: 2017-07-07. Review status: criteria provided, single submitter. Criteria: LMM Criteria. Collection method: clinical testing. Allele origin: germline. Inheritance: Autosomal dominant inheritance. Observed: 1 variant allele. Not counted in ClinVar's aggregate classification.
Comment: The p.Asp261fs variant in PMS2 has been identified as a germline variant in 1 in dividual with Lynch syndrome (with PMS2-negative colorectal cancer; Borras 2013) and was absent from large population studies. This variant is predicted to caus e a frameshift, which alters the protein?s amino acid sequence beginning at posi tion 261 and leads to a premature termination codon 46 amino acids downstream. T his alteration is then predicted to lead to a truncated or absent protein. Heter ozygous loss of function of the PMS2 gene is an established disease mechanism fo r Lynch syndrome. Additionally, this variant was classified as Pathogenic on Sep tember 5, 2013 by the ClinGen-approved InSiGHT expert panel (ClinVar SCV00010838 2.2). In summary, the p.Asp261fs variant meets criteria to be classified as path ogenic for Lynch syndrome in an autosomal dominant manner.

Literature cited by the submitters: PubMed 23709753 (cited by 5 submitters); PubMed 25512458 (cited by All of Us Research Program, National Institutes of Health); PubMed 28514183 (cited by All of Us Research Program, National Institutes of Health); PubMed 35223509 (cited by All of Us Research Program, National Institutes of Health); PubMed 21376568 (cited by Labcorp Genetics (formerly Invitae), Labcorp); PubMed 24362816 (cited by Labcorp Genetics (formerly Invitae), Labcorp).

NM_000535.7(PMS2):c.780del (p.Asp261fs)

Gene: PMS2 (PMS1 homolog 2, mismatch repair system component; minus strand). Cytogenetic location: 7p22.1.
Variant type: Deletion.
Coding change: c.780del on transcript NM_000535.7 (MANE Select); coding-DNA position 780, one base deleted (C; older notation c.780delC).
Protein change: p.Asp261fs; shifts the reading frame from aspartic acid 261.
Molecular consequence: frameshift variant. On other transcripts: 5 prime UTR variant (2), non-coding transcript variant (1).
Genome position (GRCh38, 1-based): chr7:5,997,349, G deleted on the plus strand (C on the coding strand, the reverse complement: PMS2 is on the minus strand); the first of 2 consecutive G bases (chr7:5,997,349-5,997,350); deleting either gives the same sequence. VCF-style (leftmost placement, unchanged base first): chr7-5997348-CG-C. GRCh37 (hg19) VCF-style: chr7-6036979-CG-C.
Other names: c.375del, p.Asp126fs (NM_001322003.2, NM_001322004.2, NM_001322005.2 and 2 more transcripts); c.780del, p.Asp261fs (NM_001322006.2, NM_001322014.2); c.462del, p.Asp155fs (NM_001322007.2, NM_001322008.2); c.-154del (NM_001322011.2, NM_001322012.2); c.207del, p.Asp70fs (NM_001322013.2); c.471del, p.Asp158fs (NM_001322015.2); short protein forms D155fs, D70fs, D126fs, D158fs, D261fs.
Identifiers: ClinVar variation 91367 (VCV000091367.12), dbSNP rs587779344, ClinGen allele CA012834.